The following is an entry in ClinVar:

ClinVar aggregate classification (germline): Uncertain significance. Review status: criteria provided, multiple submitters, no conflicts (2 of 4 stars). 2 submissions from 2 submitters: Uncertain significance (2). Last evaluated 2023-09-15.

Conditions:
Holoprosencephaly 11 (HPE11). Identifiers: Orphanet 2162, MedGen C3280215, MONDO:0013642, OMIM 614226.

Allele frequency attached by ClinVar (database versions not stated): TOPMed 0.00002; ESP Exome Variant Server 0.00008; gnomAD 0.00003.
gnomAD v4.1: 1 of 1,614,116 alleles (0.000062%); no homozygotes.

Submissions (2):

Women's Health and Genetics/Laboratory Corporation of America, LabCorp
Classification: Uncertain significance. Last evaluated: 2023-09-15. Review status: criteria provided, single submitter. Criteria: LabCorp Variant Classification Summary - May 2015. Collection method: clinical testing. Allele origin: germline.
Comment: Variant summary: CDON c.1741A>G (p.Ile581Val) results in a conservative amino acid change located in the fibronectin type III domain of the encoded protein sequence. Three of five in-silico tools predict a benign effect of the variant on protein function. The variant was absent in 250942 control chromosomes (gnomAD). The available data on variant occurrences in the general population are insufficient to allow any conclusion about variant significance. To our knowledge, no occurrence of c.1741A>G in individuals affected with Holoprosencephaly 11 and no experimental evidence demonstrating its impact on protein function have been reported. One submitter has cited a clinical-significance assessment for this variant to ClinVar after 2014 and has classified the variant as uncertain significance. Based on the evidence outlined above, the variant was classified as uncertain significance.

Illumina Laboratory Services, Illumina
Classification: Uncertain significance for Holoprosencephaly 11. Last evaluated: 2018-01-13. Review status: criteria provided, single submitter. Criteria: ICSL Variant Classification Criteria 13 December 2019. Collection method: clinical testing. Allele origin: germline.

NM_001378964.1(CDON):c.1741A>G (p.Ile581Val)

Gene: CDON (cell adhesion associated, oncogene regulated; minus strand). Cytogenetic location: 11q24.2.
Variant type: single nucleotide variant.
Coding change: c.1741A>G on transcript NM_001378964.1 (MANE Select); coding-DNA position 1741, A replaced by G.
Protein change: p.Ile581Val; replaces isoleucine 581 with valine.
Molecular consequence: missense variant.
Genome position (GRCh38, 1-based): chr11:126,005,869, T>C on the plus strand (A>G on the coding strand, the complement: CDON is on the minus strand). VCF-style: chr11-126005869-T-C. GRCh37 (hg19) VCF-style: chr11-125875764-T-C.
Other names: c.1741A>G, p.Ile581Val (NM_001243597.3, NM_016952.6); short protein forms I581V.
Identifiers: ClinVar variation 303513 (VCV000303513.6), dbSNP rs141782811, ClinGen allele CA10638418.